The following is an entry in ClinVar:

NM_000391.4(TPP1):c.26G>T (p.Gly9Val)

Gene: TPP1 (tripeptidyl peptidase 1; minus strand). Cytogenetic location: 11p15.4.
Variant type: single nucleotide variant.
Coding change: c.26G>T on transcript NM_000391.4 (MANE Select); coding-DNA position 26, G replaced by T.
Protein change: p.Gly9Val; replaces glycine 9 with valine.
Molecular consequence: missense variant.
Genome position (GRCh38, 1-based): chr11:6,619,259, C>A on the plus strand (G>T on the coding strand, the complement: TPP1 is on the minus strand). VCF-style: chr11-6619259-C-A. GRCh37 (hg19) VCF-style: chr11-6640490-C-A.
Other names: short protein forms G9V.
Identifiers: ClinVar variation 859643 (VCV000859643.7), dbSNP rs748423428, ClinGen allele CA5859081.

ClinVar aggregate classification (germline): Uncertain significance (1 of 4 stars; one submission).

Allele frequency attached by ClinVar (database versions not stated): ExAC 0.00001; gnomAD exomes 0.00001.
gnomAD v4.1: 1 of 1,614,120 alleles (0.000062%); highest among the groups gnomAD compares: Non-Finnish European, 0.000085%; no homozygotes.

Submission:

Labcorp Genetics (formerly Invitae), Labcorp
Classification: Uncertain significance. Last evaluated: 2021-08-31. Review status: criteria provided, single submitter. Criteria: Invitae Variant Classification Sherloc (09022015). Collection method: clinical testing. Allele origin: germline.
Comment: This sequence change replaces glycine with valine at codon 9 of the TPP1 protein (p.Gly9Val). The glycine residue is moderately conserved and there is a moderate physicochemical difference between glycine and valine. This variant is present in population databases (rs748423428, ExAC 0.001%). This variant has not been reported in the literature in individuals affected with TPP1-related conditions. Algorithms developed to predict the effect of missense changes on protein structure and function are either unavailable or do not agree on the potential impact of this missense change (SIFT: "Tolerated"; PolyPhen-2: "Possibly Damaging"; Align-GVGD: "Class C0"). In summary, the available evidence is currently insufficient to determine the role of this variant in disease. Therefore, it has been classified as a Variant of Uncertain Significance.